The following is an entry in ClinVar:

ClinVar aggregate classification (germline): Uncertain significance (1 of 4 stars; one submission).

Conditions:
Primary dilated cardiomyopathy (DCM). Also called: Dilated Cardiomyopathy. Identifiers: Orphanet 217604, MedGen C0007193, MeSH D002311, MONDO:0005021, HP:0001644. Inheritance: Various modes of inheritance.

Allele frequency attached by ClinVar (database versions not stated): gnomAD exomes below 0.00001; gnomAD 0.00001; TOPMed 0.00002.
gnomAD v4.1: 3 of 1,541,202 alleles (0.00019%); highest among the groups gnomAD compares: Admixed American, 0.0059%; no homozygotes.

Submission:

All of Us Research Program, National Institutes of Health
Classification: Uncertain significance for Primary dilated cardiomyopathy. Last evaluated: 2023-04-10. Review status: criteria provided, single submitter. Criteria: ACMG Guidelines, 2015. Collection method: clinical testing. Allele origin: germline. Inheritance: Autosomal dominant inheritance. Observed: 1 variant allele, 1 heterozygote.
Comment: This variant changes a single nucleotide -5 bp upstream of the translation start site of the LMNA gene. To our knowledge, functional studies have not been reported for this variant. This variant has not been reported in individuals affected with cardiovascular disorders in the literature. This variant has been identified in 1/148088 chromosomes in the general population by the Genome Aggregation Database (gnomAD). The available evidence is insufficient to determine the role of this variant in disease conclusively. Therefore, this variant is classified as a Variant of Uncertain Significance.

This study involves interpretation of variants in research participants for the purpose of population health screening. Participant phenotype was not available at the time of variant classification. Additional details can be found in publication PMID: 35346344, PMCID: PMC8962531

NM_170707.4(LMNA):c.-5C>G

Gene: LMNA (lamin A/C; plus strand). Cytogenetic location: 1q22.
Variant type: single nucleotide variant.
Coding change: c.-5C>G on transcript NM_170707.4 (MANE Select); 5 bases upstream of the start codon, C replaced by G.
Molecular consequence: 5 prime UTR variant. On other transcripts: intron variant (2).
Genome position (GRCh38, 1-based): chr1:156,114,914, C>G. VCF-style: chr1-156114914-C-G. GRCh37 (hg19) VCF-style: chr1-156084705-C-G.
Other names: c.-5C>G (NM_001282625.2, NM_001282626.2, NM_001406983.1 and 6 more transcripts); c.-428C>G (NM_001406986.1); c.-406C>G (NM_001406990.1, NM_001406995.1, NM_001407002.1); c.-669C>G (NM_001406994.1, NM_001407000.1); c.-849C>G (NM_001406999.1); c.-512C>G (NM_001407001.1); c.-203+8091C>G (NM_001406993.1, NM_001407003.1).
Identifiers: ClinVar variation 3070453 (VCV003070453.1), dbSNP rs886045362, ClinGen allele CA889742333.